The following is an entry in ClinVar:

NM_000045.4(ARG1):c.428A>G (p.Gln143Arg)

Genes: ARG1 (arginase 1; plus strand), MED23 (mediator complex subunit 23; minus strand). Cytogenetic location: 6q23.2.
Variant type: single nucleotide variant.
Coding change: c.428A>G on transcript NM_000045.4 (MANE Select); coding-DNA position 428, A replaced by G.
Protein change: p.Gln143Arg; replaces glutamine 143 with arginine.
Molecular consequence: missense variant. On other transcripts: non-coding transcript variant (1), intron variant (3).
Genome position (GRCh38, 1-based): chr6:131,581,341, A>G. VCF-style: chr6-131581341-A-G. GRCh37 (hg19) VCF-style: chr6-131902481-A-G.
Other names: c.452A>G, p.Gln151Arg (NM_001244438.2); c.306-1719A>G (NM_001369020.1); c.4077+6368T>C (NM_001270521.2); c.4095+6368T>C (NM_015979.4); short protein forms Q143R, Q151R.
Identifiers: ClinVar variation 996071 (VCV000996071.7), dbSNP rs754259099, ClinGen allele CA3999257.

ClinVar aggregate classification (germline): Conflicting classifications of pathogenicity. Review status: criteria provided, conflicting classifications (1 of 4 stars). 3 submissions from 3 submitters: Likely pathogenic (2); Uncertain significance (1). Last evaluated 2020-11-23.

Conditions:
Arginase deficiency. Also called: Arginase 1 Deficiency; ARGININEMIA; ARG1 DEFICIENCY. Identifiers: Orphanet 90, MedGen C0268548, MONDO:0008814, OMIM 207800.

Allele frequency attached by ClinVar (database versions not stated): ExAC 0.00001; gnomAD exomes below 0.00001.
gnomAD v4.1: 1 of 1,613,876 alleles (0.000062%); highest among the groups gnomAD compares: South Asian, 0.0011%; no homozygotes.

Submissions (3):

Medical Genetics, Christian Medical College
Classification: Likely pathogenic for Arginase deficiency. Last evaluated: 2020-11-23. Review status: criteria provided, single submitter. Criteria: ACMG Guidelines, 2015. Collection method: clinical testing. Allele origin: germline. Inheritance: Autosomal recessive inheritance. Affected: yes. Observed: 2 variant alleles, 2 homozygotes.
Comment: This variant p.Gln151Arg in ARG1 gene was identified in two south Indian patients clinically diagnosed with argininemia .Parents are heterozygous for the variant.Heterozygous allele (1) has been reported in gnomAD database with very low frequency( 0.00000739) and predicted to be deleterious by multiple in silico tools.The mutation introduces an opposite charge at this position. This possibly disrupts contacts with other molecules and thus its activity.

Kasturba Medical College, Manipal, Kasturba Medical College, Manipal, Manipal Academy of Higher Education, Manipal, India
Classification: Uncertain significance for Arginase deficiency. Review status: criteria provided, single submitter. Criteria: ACMG Guidelines, 2015. Collection method: clinical testing. Allele origin: biparental. Inheritance: Autosomal recessive inheritance. Affected: yes. Observed: 1 homozygote.

Lifecell International Pvt. Ltd
Classification: Likely pathogenic for Arginase deficiency. Review status: criteria provided, single submitter. Criteria: ACMG Guidelines, 2015. Collection method: clinical testing. Allele origin: germline. Inheritance: Autosomal recessive inheritance. Affected: yes. Observed: 1 homozygote.
Comment: A Homozygote Missense variant c.428A>G in Exon 4 of the ARG1 gene that results in the amino acid substitution p.Gln143Arg was identified. The observed variant has a minor allele frequency of 0.0004 in gnomAD exomes. The severity of the impact of this variant on the protein is medium, based on the effect of the protein and REVEL score . Rare Exome Variant Ensemble Learner (REVEL) is an ensembl method for predicting the pathogenicity of missense variants based on a combination of scores from 13 individual tools: MutPred, FATHMM v2.3, VEST 3.0, PolyPhen-2, SIFT, PROVEAN, MutationAssessor, MutationTaster, LRT, GERP++, SiPhy, phyloP, and phastCons. The REVEL score for an individual missense variant can range from 0 to 1, with higher scores reflecting greater likelihood that the variant is disease-causing. ClinVar has also classified this variant as Likely Pathogenic (Variant Id: 996071). Based on the above evidence this variant has been classified as Likely Pathogenic according to the ACMG guidelines.